The following is an entry in ClinVar:

ClinVar aggregate classification (germline): Uncertain significance (1 of 4 stars; one submission).

Conditions:
Hereditary cancer-predisposing syndrome. Also called: Neoplastic Syndromes, Hereditary; Tumor predisposition; Hereditary Cancer Syndrome; Hereditary neoplastic syndrome. Identifiers: Orphanet 140162, MedGen C0027672, MeSH D009386, MONDO:0015356.

Submission:

Ambry Genetics
Classification: Uncertain significance for Hereditary cancer-predisposing syndrome. Last evaluated: 2024-09-13. Review status: criteria provided, single submitter. Criteria: Ambry Variant Classification Scheme 2023. Collection method: clinical testing. Allele origin: germline.
Comment: The p.Q700H variant (also known as c.2100G>T), located in coding exon 12 of the PMS2 gene, results from a G to T substitution at nucleotide position 2100. The glutamine at codon 700 is replaced by histidine, an amino acid with highly similar properties. This amino acid position is conserved. In addition, this alteration is predicted to be deleterious by in silico analysis. Based on the available evidence, the clinical significance of this variant remains unclear.

NM_000535.7(PMS2):c.2100G>T (p.Gln700His)

Gene: PMS2 (PMS1 homolog 2, mismatch repair system component; minus strand). Cytogenetic location: 7p22.1.
Variant type: single nucleotide variant.
Coding change: c.2100G>T on transcript NM_000535.7 (MANE Select); coding-DNA position 2100, G replaced by T.
Protein change: p.Gln700His; replaces glutamine 700 with histidine.
Molecular consequence: missense variant. On other transcripts: non-coding transcript variant (1), intron variant (4).
Genome position (GRCh38, 1-based): chr7:5,982,898, C>A on the plus strand (G>T on the coding strand, the complement: PMS2 is on the minus strand). VCF-style: chr7-5982898-C-A. GRCh37 (hg19) VCF-style: chr7-6022529-C-A.
Other names: c.1695G>T, p.Gln565His (NM_001322003.2, NM_001322004.2, NM_001322005.2 and 14 more transcripts); c.1944G>T, p.Gln648His (NM_001322006.2, NM_001406870.1); c.1782G>T, p.Gln594His (NM_001322007.2, NM_001322008.2, NM_001406876.1 and 1 more transcripts); c.1539G>T, p.Gln513His (NM_001322010.2, NM_001406906.1, NM_001406907.1); c.1167G>T, p.Gln389His (NM_001322011.2, NM_001322012.2); c.1527G>T, p.Gln509His (NM_001322013.2, NM_001406909.1); c.2100G>T, p.Gln700His (NM_001322014.2, NM_001406871.1); c.1791G>T, p.Gln597His (NM_001322015.2, NM_001406875.1, NM_001406877.1 and 5 more transcripts); and 16 more; short protein forms Q299H, Q565H, Q700H, Q762H, Q389H, Q509H, Q708H, Q513H.
Identifiers: ClinVar variation 3421503 (VCV003421503.1).